The following is an entry in ClinVar:

NM_003482.4(KMT2D):c.11405T>G (p.Leu3802Arg)

Gene: KMT2D (lysine methyltransferase 2D; minus strand). Cytogenetic location: 12q13.12.
Variant type: single nucleotide variant.
Coding change: c.11405T>G on transcript NM_003482.4 (MANE Select); coding-DNA position 11405, T replaced by G.
Protein change: p.Leu3802Arg; replaces leucine 3802 with arginine.
Molecular consequence: missense variant.
Genome position (GRCh38, 1-based): chr12:49,033,300, A>C on the plus strand (T>G on the coding strand, the complement: KMT2D is on the minus strand). VCF-style: chr12-49033300-A-C. GRCh37 (hg19) VCF-style: chr12-49427083-A-C.
Other names: short protein forms L3802R.
Identifiers: ClinVar variation 4801207 (VCV004801207.1).
Genomic context (GRCh38, chr12:49,033,300, plus strand): 5'-CCCTGGGGGCCCAAAGCTCCAGGGTGCTGCTGCTGCAACACAGCCACCTGGGCAGGGCCC[A>C]GCATGCCCTGGGGCCCCTGGGGTGGTTGAGGGGACAGCTGCTGGACCAGGAGGCCTTGGT-3'
Protein context (NP_003473.3, residues 3792-3812): PQPPQGPQGM[Leu3802Arg]GPAQVAVLQQ

ClinVar aggregate classification (germline): Uncertain significance (1 of 4 stars; one submission).

Conditions:
Kabuki syndrome. Also called: NIIKAWA-KUROKI SYNDROME; Kabuki make-up syndrome. Identifiers: Orphanet 2322, MedGen C0796004, MONDO:0016512.

Submission:

Labcorp Genetics (formerly Invitae), Labcorp
Classification: Uncertain significance for Kabuki syndrome. Last evaluated: 2025-06-15. Review status: criteria provided, single submitter. Criteria: Invitae Variant Classification Sherloc (09022015). Collection method: clinical testing. Allele origin: germline.
Comment: This sequence change replaces leucine, which is neutral and non-polar, with arginine, which is basic and polar, at codon 3802 of the KMT2D protein (p.Leu3802Arg). This variant is not present in population databases (gnomAD no frequency). This variant has not been reported in the literature in individuals affected with KMT2D-related conditions. Invitae Evidence Modeling of protein sequence and biophysical properties (such as structural, functional, and spatial information, amino acid conservation, physicochemical variation, residue mobility, and thermodynamic stability) indicates that this missense variant is not expected to disrupt KMT2D protein function with a negative predictive value of 95%. In summary, the available evidence is currently insufficient to determine the role of this variant in disease. Therefore, it has been classified as a Variant of Uncertain Significance.